The following is an entry in ClinVar:

ClinVar aggregate classification (germline): Uncertain significance (1 of 4 stars; one submission).

gnomAD v4.1: 5 of 1,611,030 alleles (0.00031%); highest among the groups gnomAD compares: Non-Finnish European, 0.00042%; no homozygotes.

Submission:

Ambry Genetics
Classification: Uncertain significance. Last evaluated: 2024-11-22. Review status: criteria provided, single submitter. Criteria: Ambry Variant Classification Scheme 2023. Collection method: clinical testing. Allele origin: germline.
Comment: The p.N77K variant (also known as c.231T>A) is located in coding exon 3 of the SRP72 gene. The asparagine at codon 77 is replaced by lysine, an amino acid with similar properties. This change occurs in the first base pair of coding exon 3. This amino acid position is conserved. In addition, this alteration is predicted to be tolerated by in silico analysis. Based on the available evidence, the clinical significance of this variant remains unclear.

NM_006947.4(SRP72):c.231T>A (p.Asn77Lys)

Gene: SRP72 (signal recognition particle 72; plus strand). Cytogenetic location: 4q12.
Variant type: single nucleotide variant.
Coding change: c.231T>A on transcript NM_006947.4 (MANE Select); coding-DNA position 231, T replaced by A.
Protein change: p.Asn77Lys; replaces asparagine 77 with lysine.
Molecular consequence: missense variant. On other transcripts: non-coding transcript variant (1).
Genome position (GRCh38, 1-based): chr4:56,471,720, T>A. VCF-style: chr4-56471720-T-A. GRCh37 (hg19) VCF-style: chr4-57337886-T-A.
Other names: c.231T>A, p.Asn77Lys (NM_001267722.2); short protein forms N77K.
Identifiers: ClinVar variation 3449396 (VCV003449396.1).